The following is an entry in ClinVar:

NM_002878.4(RAD51D):c.194C>G (p.Pro65Arg)

Genes: RAD51D (RAD51 paralog D; minus strand), RAD51L3-RFFL (RAD51L3-RFFL readthrough; minus strand). Cytogenetic location: 17q12.
Variant type: single nucleotide variant.
Coding change: c.194C>G on transcript NM_002878.4 (MANE Select); coding-DNA position 194, C replaced by G.
Protein change: p.Pro65Arg; replaces proline 65 with arginine.
Molecular consequence: missense variant. On other transcripts: intron variant (2).
Genome position (GRCh38, 1-based): chr17:35,118,570, G>C on the plus strand (C>G on the coding strand, the complement: RAD51D is on the minus strand). VCF-style: chr17-35118570-G-C. GRCh37 (hg19) VCF-style: chr17-33445589-G-C.
Other names: c.144+541C>G (NM_133629.3, NM_001142571.2); short protein forms P65R.
Identifiers: ClinVar variation 1783190 (VCV001783190.5), dbSNP rs1597876790, ClinGen allele CA399091415.

ClinVar aggregate classification (germline): Uncertain significance. Review status: criteria provided, multiple submitters, no conflicts (2 of 4 stars). 3 submissions from 3 submitters: Uncertain significance (3). Last evaluated 2025-09-12.

Conditions:
Hereditary cancer-predisposing syndrome. Also called: Neoplastic Syndromes, Hereditary; Tumor predisposition; Hereditary Cancer Syndrome; Hereditary neoplastic syndrome. Identifiers: Orphanet 140162, MedGen C0027672, MeSH D009386, MONDO:0015356.
Breast-ovarian cancer, familial, susceptibility to, 4. Identifiers: Orphanet 145, MedGen C3280345, MONDO:0013669, OMIM 614291.

Submissions (3):

Labcorp Genetics (formerly Invitae), Labcorp
Classification: Uncertain significance for Breast-ovarian cancer, familial, susceptibility to, 4. Last evaluated: 2025-09-12. Review status: criteria provided, single submitter. Criteria: Invitae Variant Classification Sherloc (09022015). Collection method: clinical testing. Allele origin: germline.
Comment: This sequence change replaces proline, which is neutral and non-polar, with arginine, which is basic and polar, at codon 65 of the RAD51D protein (p.Pro65Arg). This variant is not present in population databases (gnomAD no frequency). This variant has not been reported in the literature in individuals affected with RAD51D-related conditions. ClinVar contains an entry for this variant (Variation ID: 1783190). Invitae Evidence Modeling of protein sequence and biophysical properties (such as structural, functional, and spatial information, amino acid conservation, physicochemical variation, residue mobility, and thermodynamic stability) indicates that this missense variant is expected to disrupt RAD51D protein function with a positive predictive value of 80%. In summary, the available evidence is currently insufficient to determine the role of this variant in disease. Therefore, it has been classified as a Variant of Uncertain Significance.

Quest Diagnostics Nichols Institute San Juan Capistrano
Classification: Uncertain significance. Last evaluated: 2023-08-04. Review status: criteria provided, single submitter. Criteria: Quest Diagnostics criteria. Collection method: clinical testing. Allele origin: unknown.
Comment: This variant has not been reported in the published literature. It also has not been reported in large, multi-ethnic general populations (Genome Aggregation Database). Analysis of this variant using bioinformatics tools for the prediction of the effect of amino acid changes on protein structure and function yielded predictions that this variant is damaging. Based on the available information, we are unable to determine the clinical significance of this variant.

Ambry Genetics
Classification: Uncertain significance for Hereditary cancer-predisposing syndrome. Last evaluated: 2021-04-28. Review status: criteria provided, single submitter. Criteria: Ambry Variant Classification Scheme 2023. Collection method: clinical testing. Allele origin: germline.
Comment: The p.P65R variant (also known as c.194C>G), located in coding exon 3 of the RAD51D gene, results from a C to G substitution at nucleotide position 194. The proline at codon 65 is replaced by arginine, an amino acid with dissimilar properties. This amino acid position is highly conserved in available vertebrate species. In addition, this alteration is predicted to be deleterious by in silico analysis. Since supporting evidence is limited at this time, the clinical significance of this alteration remains unclear.